The following is an entry in ClinVar:

NM_000059.4(BRCA2):c.1708A>G (p.Asn570Asp)

Gene: BRCA2 (BRCA2 DNA repair associated; plus strand). Cytogenetic location: 13q13.1.
Variant type: single nucleotide variant.
Coding change: c.1708A>G on transcript NM_000059.4 (MANE Select); coding-DNA position 1708, A replaced by G.
Protein change: p.Asn570Asp; replaces asparagine 570 with aspartic acid.
Molecular consequence: missense variant. On other transcripts: non-coding transcript variant (1), intron variant (1).
Genome position (GRCh38, 1-based): chr13:32,333,186, A>G. VCF-style: chr13-32333186-A-G. GRCh37 (hg19) VCF-style: chr13-32907323-A-G.
Other names: c.1708A>G, p.Asn570Asp (NM_001406719.1, NM_001406720.1, NM_001406721.1); c.424+2156A>G (NM_001406722.1); short protein forms N570D.
Identifiers: ClinVar variation 2753932 (VCV002753932.3), dbSNP rs2137474110, ClinGen allele CA387765281.
Genomic context (GRCh38, chr13:32,333,186, plus strand): 5'-GAGGACTCCTTATGTCCAAATTTAATTGATAATGGAAGCTGGCCAGCCACCACCACACAG[A>G]ATTCTGTAGCTTTGAAGAATGCAGGTTTAATATCCACTTTGAAAAAGAAAACAAATAAGT-3'
Protein context (NP_000050.3, residues 560-580): NGSWPATTTQ[Asn570Asp]SVALKNAGLI

ClinVar aggregate classification (germline): Uncertain significance (1 of 4 stars; one submission).

Conditions:
Hereditary breast ovarian cancer syndrome. Also called: Hereditary breast and ovarian cancer; Hereditary breast and ovarian cancer syndrome; Breast and ovarian cancer; BRCA1- and BRCA2-Associated Hereditary Breast and Ovarian Cancer; Hereditary breast and ovarian cancer syndrome (HBOC); Hereditary breast and/or ovarian cancer syndrome. Identifiers: Orphanet 145, MedGen C0677776, MeSH D061325, MONDO:0003582. Disease mechanism: loss of function.

Submission:

Labcorp Genetics (formerly Invitae), Labcorp
Classification: Uncertain significance for Hereditary breast ovarian cancer syndrome. Last evaluated: 2023-08-19. Review status: criteria provided, single submitter. Criteria: Invitae Variant Classification Sherloc (09022015). Collection method: clinical testing. Allele origin: germline.
Comment: Advanced modeling of protein sequence and biophysical properties (such as structural, functional, and spatial information, amino acid conservation, physicochemical variation, residue mobility, and thermodynamic stability) performed at Invitae indicates that this missense variant is not expected to disrupt BRCA2 protein function. In summary, the available evidence is currently insufficient to determine the role of this variant in disease. Therefore, it has been classified as a Variant of Uncertain Significance. This variant has not been reported in the literature in individuals affected with BRCA2-related conditions. This variant is not present in population databases (gnomAD no frequency). This sequence change replaces asparagine, which is neutral and polar, with aspartic acid, which is acidic and polar, at codon 570 of the BRCA2 protein (p.Asn570Asp).